The following is an entry in ClinVar:

NM_002528.6(NTHL1):c.8G>C (p.Ser3Thr)

Genes: NTHL1 (nth like DNA glycosylase 1; minus strand), LOC130058209 (ATAC-STARR-seq lymphoblastoid active region 10253; plus strand). Cytogenetic location: 16p13.3.
Variant type: single nucleotide variant.
Coding change: c.8G>C on transcript NM_002528.6; coding-DNA position 8, G replaced by C.
Protein change: p.Ser3Thr; replaces serine 3 with threonine.
Genome position (GRCh38, 1-based): chr16:2,047,840, C>G on the plus strand (G>C on the coding strand, the complement: NTHL1 is on the minus strand). VCF-style: chr16-2047840-C-G. GRCh37 (hg19) VCF-style: chr16-2097841-C-G.
Other names: c.8G>C (NM_002528.5); short protein forms S3T.
Identifiers: ClinVar variation 641204 (VCV000641204.10), dbSNP rs780026159, ClinGen allele CA027883.

ClinVar aggregate classification (germline): Conflicting classifications of pathogenicity. Review status: criteria provided, conflicting classifications (1 of 4 stars). 2 submissions from 2 submitters: Uncertain significance (1); Likely benign (1). Last evaluated 2024-12-18.

Conditions:
Hereditary cancer-predisposing syndrome. Also called: Tumor predisposition; Hereditary neoplastic syndrome; Neoplastic Syndromes, Hereditary; Hereditary Cancer Syndrome. Identifiers: Orphanet 140162, MedGen C0027672, MeSH D009386, MONDO:0015356.

Allele frequency attached by ClinVar (database versions not stated): gnomAD exomes below 0.00001; TOPMed 0.00002; gnomAD 0.00002; ExAC 0.00002.

Submissions (2):

Labcorp Genetics (formerly Invitae), Labcorp
Classification: Uncertain significance. Last evaluated: 2024-12-18. Review status: criteria provided, single submitter. Criteria: Invitae Variant Classification Sherloc (09022015). Collection method: clinical testing. Allele origin: germline.
Comment: This sequence change replaces serine, which is neutral and polar, with threonine, which is neutral and polar, at codon 3 of the NTHL1 protein (p.Ser3Thr). The frequency data for this variant in the population databases is considered unreliable, as metrics indicate poor data quality at this position in the gnomAD database. This variant has not been reported in the literature in individuals affected with NTHL1-related conditions. ClinVar contains an entry for this variant (Variation ID: 641204). An algorithm developed to predict the effect of missense changes on protein structure and function (PolyPhen-2) suggests that this variant is likely to be disruptive. In summary, the available evidence is currently insufficient to determine the role of this variant in disease. Therefore, it has been classified as a Variant of Uncertain Significance.

Ambry Genetics
Classification: Likely benign for Hereditary cancer-predisposing syndrome. Last evaluated: 2024-10-05. Review status: criteria provided, single submitter. Criteria: Ambry Variant Classification Scheme 2023. Collection method: clinical testing. Allele origin: germline.